The following is an entry in ClinVar:

NM_019066.5(MAGEL2):c.3290C>G (p.Thr1097Arg)

Gene: MAGEL2 (MAGE family member L2; minus strand). Cytogenetic location: 15q11.2.
Variant type: single nucleotide variant.
Coding change: c.3290C>G on transcript NM_019066.5 (MANE Select); coding-DNA position 3290, C replaced by G.
Protein change: p.Thr1097Arg; replaces threonine 1097 with arginine.
Molecular consequence: missense variant.
Genome position (GRCh38, 1-based): chr15:23,644,453, G>C on the plus strand (C>G on the coding strand, the complement: MAGEL2 is on the minus strand). VCF-style: chr15-23644453-G-C. GRCh37 (hg19) VCF-style: chr15-23889600-G-C.
Other names: short protein forms T1097R.
Identifiers: ClinVar variation 3348787 (VCV003348787.1).
Genomic context (GRCh38, chr15:23,644,453, plus strand): 5'-AAGACCACCATCAGAAGGCCAAACTTGGGCCTGTCTAAATAGGATGCCACCAAATTCCCT[G>C]TATGGTAGCCCAGCTTGTTGATGATAATATAGGCGTGGTTTTTGGTATCAATTTCTTTCA-3'
Protein context (NP_061939.3, residues 1087-1107): YIIINKLGYH[Thr1097Arg]GNLVASYLDR

ClinVar aggregate classification (germline): Uncertain significance (0 of 4 stars; one submission).

Conditions:
MAGEL2-related disorder. Also called: MAGEL2-related condition.

gnomAD v4.1: 3 of 1,613,918 alleles (0.00019%); highest among the groups gnomAD compares: South Asian, 0.0022%; no homozygotes.

Submission:

PreventionGenetics, part of Exact Sciences
Classification: Uncertain significance for MAGEL2-related condition. Last evaluated: 2024-02-27. Review status: no assertion criteria provided. Collection method: clinical testing. Allele origin: germline.
Comment: The MAGEL2 c.3290C>G variant is predicted to result in the amino acid substitution p.Thr1097Arg. To our knowledge, this variant has not been reported in the literature. This variant is reported in 0.0033% of alleles in individuals of South Asian descent in gnomAD. At this time, the clinical significance of this variant is uncertain due to the absence of conclusive functional and genetic evidence.